The following is an entry in ClinVar:

NM_000426.4(LAMA2):c.8444C>G (p.Thr2815Arg)

Gene: LAMA2 (laminin subunit alpha 2; plus strand). Cytogenetic location: 6q22.33.
Variant type: single nucleotide variant.
Coding change: c.8444C>G on transcript NM_000426.4 (MANE Select); coding-DNA position 8444, C replaced by G.
Protein change: p.Thr2815Arg; replaces threonine 2815 with arginine.
Molecular consequence: missense variant.
Genome position (GRCh38, 1-based): chr6:129,503,177, C>G. VCF-style: chr6-129503177-C-G. GRCh37 (hg19) VCF-style: chr6-129824322-C-G.
Other names: c.8432C>G, p.Thr2811Arg (NM_001079823.2); short protein forms T2815R, T2811R.
Identifiers: ClinVar variation 581411 (VCV000581411.4), dbSNP rs748758336, ClinGen allele CA3994836.

ClinVar aggregate classification (germline): Uncertain significance. Review status: criteria provided, multiple submitters, no conflicts (2 of 4 stars). 2 submissions from 2 submitters: Uncertain significance (2). Last evaluated 2021-08-28.

Conditions:
LAMA2-related muscular dystrophy (LAMA2-RD). Also called: Laminin alpha 2-related dystrophy. Identifiers: MedGen C5679788, MONDO:0100228.
Distal myopathy. Identifiers: Orphanet 599, MedGen C0751336, MONDO:0018949.

Allele frequency attached by ClinVar (database versions not stated): gnomAD exomes below 0.00001 and 0.00002; TOPMed below 0.00001; ExAC 0.00001; gnomAD 0.00001.
gnomAD v4.1: 24 of 1,614,002 alleles (0.0015%); highest among the groups gnomAD compares: Non-Finnish European, 0.002%; no homozygotes.

Submissions (2):

Labcorp Genetics (formerly Invitae), Labcorp
Classification: Uncertain significance for LAMA2-related muscular dystrophy. Last evaluated: 2021-08-28. Review status: criteria provided, single submitter. Criteria: Invitae Variant Classification Sherloc (09022015). Collection method: clinical testing. Allele origin: germline.
Comment: This sequence change replaces threonine with arginine at codon 2815 of the LAMA2 protein (p.Thr2815Arg). The threonine residue is moderately conserved and there is a moderate physicochemical difference between threonine and arginine. This variant is present in population databases (rs748758336, ExAC 0.001%). This variant has not been reported in the literature in individuals affected with LAMA2-related conditions. Algorithms developed to predict the effect of missense changes on protein structure and function are either unavailable or do not agree on the potential impact of this missense change (SIFT: "Tolerated"; PolyPhen-2: "Probably Damaging"; Align-GVGD: "Class C0"). In summary, the available evidence is currently insufficient to determine the role of this variant in disease. Therefore, it has been classified as a Variant of Uncertain Significance.

Cambridge Genomics Laboratory, East Genomic Laboratory Hub, NHS Genomic Medicine Service
Classification: Uncertain significance for Distal myopathy. Last evaluated: 2020-01-13. Review status: criteria provided, single submitter. Criteria: ACGS Best Practice Guidelines for Variant Classification in Rare Disease 2020. Collection method: clinical testing. Allele origin: germline. Affected: yes. Observed: 1 variant allele.